The following is an entry in ClinVar:

NM_001009944.3(PKD1):c.9709G>A (p.Ala3237Thr)

Gene: PKD1 (polycystin 1, transient receptor potential channel interacting; minus strand). Cytogenetic location: 16p13.3.
Variant type: single nucleotide variant.
Coding change: c.9709G>A on transcript NM_001009944.3 (MANE Select); coding-DNA position 9709, G replaced by A.
Protein change: p.Ala3237Thr; replaces alanine 3237 with threonine.
Molecular consequence: missense variant.
Genome position (GRCh38, 1-based): chr16:2,100,169, C>T on the plus strand (G>A on the coding strand, the complement: PKD1 is on the minus strand). VCF-style: chr16-2100169-C-T. GRCh37 (hg19) VCF-style: chr16-2150170-C-T.
Other names: c.9709G>A, p.Ala3237Thr (NM_000296.4); short protein forms A3237T.
Identifiers: ClinVar variation 2204394 (VCV002204394.3), dbSNP rs754218771, ClinGen allele CA7829969.

ClinVar aggregate classification (germline): Conflicting classifications of pathogenicity. Review status: criteria provided, conflicting classifications (1 of 4 stars). 2 submissions from 2 submitters: Uncertain significance (1); Likely benign (1). Last evaluated 2026-07-06.

Conditions:
Inborn genetic diseases. Identifiers: MedGen C0950123, MeSH D030342.
PKD1-related disorder. Also called: PKD1-related condition.

Allele frequency attached by ClinVar (database versions not stated): gnomAD 0.00003; ExAC 0.00014.
gnomAD v4.1: 87 of 1,607,768 alleles (0.0054%); highest among the groups gnomAD compares: South Asian, 0.077%; 3 homozygotes.

Submissions (2):

PreventionGenetics, part of Exact Sciences
Classification: Likely benign for PKD1-related condition. Last evaluated: 2026-07-06. Review status: criteria provided, single submitter. Criteria: ACMG Guidelines, 2015. Collection method: clinical testing. Allele origin: germline.
Comment: This variant is classified as likely benign based on ACMG/AMP sequence variant interpretation guidelines (Richards et al. 2015 PMID: 25741868, with internal and published modifications).

Ambry Genetics
Classification: Uncertain significance for Inborn genetic diseases. Last evaluated: 2022-11-01. Review status: criteria provided, single submitter. Criteria: Ambry Variant Classification Scheme 2023. Collection method: clinical testing. Allele origin: germline.